The following is an entry in ClinVar:

ClinVar aggregate classification (germline): Pathogenic (0 of 4 stars; one submission).

Conditions:
Osteogenesis imperfecta type 10 (OI10). Also called: OI, TYPE X. Identifiers: Orphanet 666, MedGen C3151211, MONDO:0013459, OMIM 613848.

Submission:

Collagen Diagnostic Laboratory, University of Washington
Classification: Pathogenic for Osteogenesis imperfecta type 10. Last evaluated: 2018-09-23. Review status: no assertion criteria provided. Collection method: clinical testing. Allele origin: maternal. Inheritance: Autosomal recessive inheritance. Affected: yes. Observed: 1 compound heterozygote.
Comment: The single base pair duplication leads to an immediate downstream premature termination codon and deletion of the last 7 amino acid residues, including the ER localization signal (RDEL). The mRNA was expressed at normal levels, but the protein was unstable.

NM_001235.5(SERPINH1):c.1233dup (p.Asp412Ter)

Gene: SERPINH1 (serpin family H member 1; plus strand). Cytogenetic location: 11q13.5.
Variant type: Duplication.
Coding change: c.1233dup on transcript NM_001235.5 (MANE Select); coding-DNA position 1233, one base duplicated (T; older notation c.1233dupT).
Protein change: p.Asp412Ter; replaces aspartic acid 412 with a stop codon.
Molecular consequence: nonsense.
Genome position (GRCh38, 1-based): chr11:75,572,059, T duplicated. VCF-style (leftmost placement, unchanged base first): chr11-75572058-G-GT. GRCh37 (hg19) VCF-style: chr11-75283103-G-GT.
Other names: c.1233dup, p.Asp412Ter (NM_001207014.3); c.1233dupT (NM_001235.3); short protein forms D412*.
Identifiers: ClinVar variation 599349 (VCV000599349.3), dbSNP rs1565244847, ClinGen allele CA913190301.
Genomic context (GRCh38, chr11:75,572,058, plus strand): 5'-TAGTGCGGGACACCCAAAGCGGCTCCCTGCTATTCATTGGGCGCCTGGTCCGGCCTAAGG[G>GT]TGACAAGATGCGAGACGAGTTATAGGGCCTCAGGGTGCACACAGGATGGCAGGAGGCATC-3'